The following is an entry in ClinVar:

ClinVar aggregate classification (germline): Uncertain significance (1 of 4 stars; one submission).

Allele frequency attached by ClinVar (database versions not stated): TOPMed 0.00001; gnomAD exomes 0.00002; gnomAD 0.00003.
gnomAD v4.1: 10 of 1,613,904 alleles (0.00062%); highest among the groups gnomAD compares: African/African-American, 0.0053%; no homozygotes.

Submission:

Labcorp Genetics (formerly Invitae), Labcorp
Classification: Uncertain significance. Last evaluated: 2025-08-27. Review status: criteria provided, single submitter. Criteria: Invitae Variant Classification Sherloc (09022015). Collection method: clinical testing. Allele origin: germline.
Comment: This sequence change replaces proline, which is neutral and non-polar, with serine, which is neutral and polar, at codon 655 of the DUOX2 protein (p.Pro655Ser). This variant is present in population databases (no rsID available, gnomAD 0.008%). This variant has not been reported in the literature in individuals affected with DUOX2-related conditions. ClinVar contains an entry for this variant (Variation ID: 1404758). Invitae Evidence Modeling of protein sequence and biophysical properties (such as structural, functional, and spatial information, amino acid conservation, physicochemical variation, residue mobility, and thermodynamic stability) indicates that this missense variant is not expected to disrupt DUOX2 protein function with a negative predictive value of 80%. In summary, the available evidence is currently insufficient to determine the role of this variant in disease. Therefore, it has been classified as a Variant of Uncertain Significance.

NM_001363711.2(DUOX2):c.1963C>T (p.Pro655Ser)

Gene: DUOX2 (dual oxidase 2; minus strand). Cytogenetic location: 15q21.1.
Variant type: single nucleotide variant.
Coding change: c.1963C>T on transcript NM_001363711.2 (MANE Select); coding-DNA position 1963, C replaced by T.
Protein change: p.Pro655Ser; replaces proline 655 with serine.
Molecular consequence: missense variant.
Genome position (GRCh38, 1-based): chr15:45,106,310, G>A on the plus strand (C>T on the coding strand, the complement: DUOX2 is on the minus strand). VCF-style: chr15-45106310-G-A. GRCh37 (hg19) VCF-style: chr15-45398508-G-A.
Other names: c.1963C>T, p.Pro655Ser (NM_014080.5); short protein forms P655S.
Identifiers: ClinVar variation 1404758 (VCV001404758.8), dbSNP rs1214313155, ClinGen allele CA392273488.